The following is an entry in ClinVar:

ClinVar aggregate classification (germline): Likely benign (1 of 4 stars; one submission).

Conditions:
UGT1A1-related disorder. Also called: UGT1A1-related condition; UGT1A1-related disorders.

gnomAD v4.1: 6 of 1,614,106 alleles (0.00037%); highest among the groups gnomAD compares: Non-Finnish European, 0.00051%; no homozygotes.

Submission:

PreventionGenetics, part of Exact Sciences
Classification: Likely benign for UGT1A1-related condition. Last evaluated: 2025-12-28. Review status: criteria provided, single submitter. Criteria: ACMG Guidelines, 2015. Collection method: clinical testing. Allele origin: germline.
Comment: This variant is classified as likely benign based on ACMG/AMP sequence variant interpretation guidelines (Richards et al. 2015 PMID: 25741868, with internal and published modifications).

NM_000463.3(UGT1A1):c.1344G>A (p.Lys448=)

Genes: UGT1A (UDP glucuronosyltransferase family 1 member A complex locus; plus strand), UGT1A1 (UDP glucuronosyltransferase family 1 member A1; plus strand), UGT1A10 (UDP glucuronosyltransferase family 1 member A10; plus strand), UGT1A3 (UDP glucuronosyltransferase family 1 member A3; plus strand), UGT1A4 (UDP glucuronosyltransferase family 1 member A4; plus strand) and 5 more. Cytogenetic location: 2q37.1.
Variant type: single nucleotide variant.
Coding change: c.1344G>A on transcript NM_000463.3 (MANE Select); coding-DNA position 1344, G replaced by A.
Protein change: p.Lys448=; no amino-acid change (lysine 448 retained).
Molecular consequence: synonymous variant.
Genome position (GRCh38, 1-based): chr2:233,772,301, G>A. VCF-style: chr2-233772301-G-A. GRCh37 (hg19) VCF-style: chr2-234680947-G-A.
Other names: c.1335G>A, p.Lys445= (NM_019075.4, NM_019076.5, NM_019077.3 and 1 more transcripts); c.1341G>A, p.Lys447= (NM_001072.4); c.540G>A, p.Lys180= (NM_205862.3); c.1347G>A, p.Lys449= (NM_019078.2, NM_007120.3, NM_019093.4).
Identifiers: ClinVar variation 4994739 (VCV004994739.1).